The following is an entry in ClinVar:

NM_147127.5(EVC2):c.2539G>T (p.Glu847Ter)

Gene: EVC2 (EvC ciliary complex subunit 2; minus strand). Cytogenetic location: 4p16.2.
Variant type: single nucleotide variant.
Coding change: c.2539G>T on transcript NM_147127.5 (MANE Select); coding-DNA position 2539, G replaced by T.
Protein change: p.Glu847Ter; replaces glutamic acid 847 with a stop codon.
Molecular consequence: nonsense.
Genome position (GRCh38, 1-based): chr4:5,618,645, C>A on the plus strand (G>T on the coding strand, the complement: EVC2 is on the minus strand). VCF-style: chr4-5618645-C-A. GRCh37 (hg19) VCF-style: chr4-5620372-C-A.
Other names: c.2299G>T, p.Glu767Ter (NM_001166136.2); short protein forms E767*, E847*.
Identifiers: ClinVar variation 845073 (VCV000845073.9), dbSNP rs1715453232, ClinGen allele CA356143598.
Genomic context (GRCh38, chr4:5,618,645, plus strand): 5'-CCAAGCTCCTGTCCATCTGAGCAAAGCAGCCATGGACCTCCTGCCTCATCCTGAGCAGCT[C>A]CTCTTCAGACAGGGAGAAGACTGAGGAGCAGAGCTTCCTGGGAGGAAGAACAGAGACACA-3'

ClinVar aggregate classification (germline): Pathogenic. Review status: criteria provided, multiple submitters, no conflicts (2 of 4 stars). 2 submissions from 2 submitters: Pathogenic (2). Last evaluated 2024-05-08.

Conditions:
Ellis-van Creveld syndrome (EVC). Also called: MESOECTODERMAL DYSPLASIA; Chondroectodermal dysplasia. Identifiers: Orphanet 289, MedGen C0013903, MONDO:0009162, OMIM 225500.
Curry-Hall syndrome (WAD). Also called: WEYERS ACRODENTAL DYSOSTOSIS. Identifiers: Orphanet 952, MedGen C0457013, MONDO:0008673, OMIM 193530.

Allele frequency attached by ClinVar (database versions not stated): gnomAD 0.00001.
gnomAD v4.1: 3 of 1,609,870 alleles (0.00019%); highest among the groups gnomAD compares: African/African-American, 0.0013%; no homozygotes.

Submissions (2):

Myriad Genetics, Inc.
Classification: Pathogenic for Ellis-van Creveld syndrome. Last evaluated: 2024-05-08. Review status: criteria provided, single submitter. Criteria: Myriad Autosomal Dominant, Autosomal Recessive and X-Linked Classification Criteria (2023). Collection method: clinical testing. Allele origin: unknown.
Comment: NM_147127.4(EVC2):c.2539G>T(E847*) is expected to be pathogenic in the context of EVC2-related Ellis-van Creveld syndrome. This variant is predicted to lead to an abnormal or absent protein product due to the creation of a premature termination codon in EVC2, a gene where loss-of-function variants are known to be pathogenic. Please note: this variant was assessed in the context of healthy population screening.

Labcorp Genetics (formerly Invitae), Labcorp
Classification: Pathogenic for Curry-Hall syndrome; Ellis-van Creveld syndrome. Last evaluated: 2023-02-05. Review status: criteria provided, single submitter. Criteria: Invitae Variant Classification Sherloc (09022015). Collection method: clinical testing. Allele origin: germline.
Comment: This variant is not present in population databases (gnomAD no frequency). This variant has not been reported in the literature in individuals affected with EVC2-related conditions. ClinVar contains an entry for this variant (Variation ID: 845073). For these reasons, this variant has been classified as Pathogenic. This sequence change creates a premature translational stop signal (p.Glu847*) in the EVC2 gene. It is expected to result in an absent or disrupted protein product. Loss-of-function variants in EVC2 are known to be pathogenic (PMID: 17024374, 19810119, 19876929).

Literature cited by the submitters: PubMed 17024374 (cited by Labcorp Genetics (formerly Invitae), Labcorp); PubMed 19810119 (cited by Labcorp Genetics (formerly Invitae), Labcorp); PubMed 19876929 (cited by Labcorp Genetics (formerly Invitae), Labcorp).